The following is an entry in ClinVar:

NM_144666.3(DNHD1):c.10288C>A (p.Leu3430Met)

Gene: DNHD1 (dynein heavy chain domain 1; plus strand). Cytogenetic location: 11p15.4.
Variant type: single nucleotide variant.
Coding change: c.10288C>A on transcript NM_144666.3 (MANE Select); coding-DNA position 10288, C replaced by A.
Protein change: p.Leu3430Met; replaces leucine 3430 with methionine.
Molecular consequence: missense variant.
Genome position (GRCh38, 1-based): chr11:6,564,336, C>A. VCF-style: chr11-6564336-C-A. GRCh37 (hg19) VCF-style: chr11-6585566-C-A.
Other names: short protein forms L3430M.
Identifiers: ClinVar variation 3342468 (VCV003342468.2).
Genomic context (GRCh38, chr11:6,564,336, plus strand): 5'-TCTGCCTGCACCCTCCTCACTGGCCTACACAGCCTCTGGTCTTCCCTTCCACTCCAGAAG[C>A]TGAAGGGACGCTGCATGACTGTGTTTGGAGATACCCTCCTATGTTCAGCTGCCATCATCT-3'
Protein context (NP_653267.2, residues 3420-3440): MRAWTTQLQK[Leu3430Met]KGRCMTVFGD

ClinVar aggregate classification (germline): Uncertain significance. Review status: criteria provided, multiple submitters, no conflicts (2 of 4 stars). 2 submissions from 2 submitters: Uncertain significance (2). Last evaluated 2025-08-25.

Submissions (2):

Ambry Genetics
Classification: Uncertain significance. Last evaluated: 2025-08-25. Review status: criteria provided, single submitter. Criteria: Ambry Variant Classification Scheme 2023. Collection method: clinical testing. Allele origin: germline.

GeneDx
Classification: Uncertain significance. Last evaluated: 2022-03-21. Review status: criteria provided, single submitter. Criteria: GeneDx Variant Classification Process June 2021. Collection method: clinical testing. Allele origin: germline. Affected: yes.
Comment: In silico analysis supports that this missense variant does not alter protein structure/function; Has not been previously published as pathogenic or benign to our knowledge; Variants in candidate genes are classified as variants of uncertain significance in accordance with ACMG guidelines (Richards et al., 2015)